The following is an entry in ClinVar:

NM_018136.5(ASPM):c.5576G>C (p.Arg1859Thr)

Gene: ASPM (assembly factor for spindle microtubules; minus strand). Cytogenetic location: 1q31.3.
Variant type: single nucleotide variant.
Coding change: c.5576G>C on transcript NM_018136.5 (MANE Select); coding-DNA position 5576, G replaced by C.
Protein change: p.Arg1859Thr; replaces arginine 1859 with threonine.
Molecular consequence: missense variant. On other transcripts: intron variant (1).
Genome position (GRCh38, 1-based): chr1:197,103,675, C>G on the plus strand (G>C on the coding strand, the complement: ASPM is on the minus strand). VCF-style: chr1-197103675-C-G. GRCh37 (hg19) VCF-style: chr1-197072805-C-G.
Other names: c.4066-7511G>C (NM_001206846.2); short protein forms R1859T.
Identifiers: ClinVar variation 1360915 (VCV001360915.8), dbSNP rs1657287577, ClinGen allele CA344026264.
Genomic context (GRCh38, chr1:197,103,675, plus strand): 5'-ATCACAGCTGCCTTTGTCTTCAAAAAATGTGTTCTTGTATCATGAAGAGTCTTGTACGCC[C>G]TGTACCATCTCTGAATCTTTATTATAGATTGAAGCACAGATTGATATTTTACCCTTTTAT-3'
Protein context (NP_060606.3, residues 1849-1869): QSIIKIQRWY[Arg1859Thr]AYKTLHDTRT

ClinVar aggregate classification (germline): Uncertain significance (1 of 4 stars; one submission).

Allele frequency attached by ClinVar (database versions not stated): TOPMed below 0.00001.

Submission:

Labcorp Genetics (formerly Invitae), Labcorp
Classification: Uncertain significance. Last evaluated: 2021-06-13. Review status: criteria provided, single submitter. Criteria: Invitae Variant Classification Sherloc (09022015). Collection method: clinical testing. Allele origin: germline.
Comment: This sequence change replaces arginine with threonine at codon 1859 of the ASPM protein (p.Arg1859Thr). The arginine residue is highly conserved and there is a moderate physicochemical difference between arginine and threonine. In summary, the available evidence is currently insufficient to determine the role of this variant in disease. Therefore, it has been classified as a Variant of Uncertain Significance. Algorithms developed to predict the effect of missense changes on protein structure and function are either unavailable or do not agree on the potential impact of this missense change (SIFT: "Deleterious"; PolyPhen-2: "Probably Damaging"; Align-GVGD: "Class C15"). This variant has not been reported in the literature in individuals with ASPM-related conditions. This variant is not present in population databases (ExAC no frequency).